The following is an entry in ClinVar:

NM_133497.4(KCNV2):c.703G>T (p.Asp235Tyr)

Gene: KCNV2 (potassium voltage-gated channel modifier subfamily V member 2; plus strand). Cytogenetic location: 9p24.2.
Variant type: single nucleotide variant.
Coding change: c.703G>T on transcript NM_133497.4 (MANE Select); coding-DNA position 703, G replaced by T.
Protein change: p.Asp235Tyr; replaces aspartic acid 235 with tyrosine.
Molecular consequence: missense variant.
Genome position (GRCh38, 1-based): chr9:2,718,442, G>T. VCF-style: chr9-2718442-G-T. GRCh37 (hg19) VCF-style: chr9-2718442-G-T.
Other names: short protein forms D235Y.
Identifiers: ClinVar variation 1447256 (VCV001447256.8), dbSNP rs371445689, ClinGen allele CA4965586.
Genomic context (GRCh38, chr9:2,718,442, plus strand): 5'-AAGATCCAGCACGAGCTGCGCGCGCAGGCGCAGGTCGAGGAGGCGGAGGAACTCTTCCGC[G>T]ACATGCGCTTCTACGGCCCGCAGCGGCGCCGCCTCTGGAACCTCATGGAGAAGCCATTCT-3'
Protein context (NP_598004.1, residues 225-245): QVEEAEELFR[Asp235Tyr]MRFYGPQRRR

ClinVar aggregate classification (germline): Uncertain significance. Review status: criteria provided, multiple submitters, no conflicts (2 of 4 stars). 2 submissions from 2 submitters: Uncertain significance (2). Last evaluated 2024-06-26.

Allele frequency attached by ClinVar (database versions not stated): TOPMed 0.00001; gnomAD exomes 0.00004; ExAC 0.00005; ESP Exome Variant Server 0.00008.
gnomAD v4.1: 17 of 1,606,982 alleles (0.0011%); highest among the groups gnomAD compares: Admixed American, 0.01%; no homozygotes.

Submissions (2):

Labcorp Genetics (formerly Invitae), Labcorp
Classification: Uncertain significance. Last evaluated: 2024-06-26. Review status: criteria provided, single submitter. Criteria: Invitae Variant Classification Sherloc (09022015). Collection method: clinical testing. Allele origin: germline.
Comment: This sequence change replaces aspartic acid, which is acidic and polar, with tyrosine, which is neutral and polar, at codon 235 of the KCNV2 protein (p.Asp235Tyr). This variant is present in population databases (rs371445689, gnomAD 0.01%). This variant has not been reported in the literature in individuals affected with KCNV2-related conditions. ClinVar contains an entry for this variant (Variation ID: 1447256). Advanced modeling of protein sequence and biophysical properties (such as structural, functional, and spatial information, amino acid conservation, physicochemical variation, residue mobility, and thermodynamic stability) performed at Invitae indicates that this missense variant is not expected to disrupt KCNV2 protein function with a negative predictive value of 80%. In summary, the available evidence is currently insufficient to determine the role of this variant in disease. Therefore, it has been classified as a Variant of Uncertain Significance.

Blueprint Genetics
Classification: Uncertain significance. Last evaluated: 2022-05-03. Review status: criteria provided, single submitter. Criteria: ACMG Guidelines, 2015. Collection method: clinical testing. Allele origin: germline.